The following is an entry in ClinVar:

NM_003118.4(SPARC):c.157G>A (p.Gly53Arg)

Gene: SPARC (secreted protein acidic and cysteine rich; minus strand). Cytogenetic location: 5q33.1.
Variant type: single nucleotide variant.
Coding change: c.157G>A on transcript NM_003118.4 (MANE Select); coding-DNA position 157, G replaced by A.
Protein change: p.Gly53Arg; replaces glycine 53 with arginine.
Molecular consequence: missense variant.
Genome position (GRCh38, 1-based): chr5:151,673,180, C>T on the plus strand (G>A on the coding strand, the complement: SPARC is on the minus strand). VCF-style: chr5-151673180-C-T. GRCh37 (hg19) VCF-style: chr5-151052741-C-T.
Other names: p.Gly53Arg; c.154G>A, p.Gly52Arg (NM_001309443.2); c.157G>A, p.Gly53Arg (NM_001309444.2); short protein forms G53R, G52R.
Identifiers: ClinVar variation 1347415 (VCV001347415.12), dbSNP rs146500464, ClinGen allele CA3522793.

ClinVar aggregate classification (germline): Uncertain significance. Review status: criteria provided, multiple submitters, no conflicts (2 of 4 stars). 5 submissions from 5 submitters: Uncertain significance (5). Last evaluated 2026-01-27.

Conditions:
Osteogenesis imperfecta type 17. Also called: Osteogenesis imperfecta, type xvii. Identifiers: Orphanet 666, MedGen C4225301, MONDO:0014672, OMIM 616507.
Osteogenesis imperfecta (OI). Identifiers: Orphanet 666, MedGen C0029434, MeSH D010013, MONDO:0019019.

Allele frequency attached by ClinVar (database versions not stated): 1000 Genomes Project 30x 0.00016; 1000 Genomes Project 0.00020; gnomAD exomes 0.00035 and 0.00075; ExAC 0.00038; TOPMed 0.00040; gnomAD 0.00044 and 0.00046; ESP Exome Variant Server 0.00069.
gnomAD v4.1: 1,134 of 1,613,740 alleles (0.07%); highest among the groups gnomAD compares: Non-Finnish European, 0.094%; 3 homozygotes.

Submissions (6):

Labcorp Genetics (formerly Invitae), Labcorp
Classification: Uncertain significance. Last evaluated: 2026-01-27. Review status: criteria provided, single submitter. Criteria: Invitae Variant Classification Sherloc (09022015). Collection method: clinical testing. Allele origin: germline.
Comment: This sequence change replaces glycine, which is neutral and non-polar, with arginine, which is basic and polar, at codon 53 of the SPARC protein (p.Gly53Arg). This variant is present in population databases (rs146500464, gnomAD 0.07%). This variant has not been reported in the literature in individuals affected with SPARC-related conditions. ClinVar contains an entry for this variant (Variation ID: 1347415). Invitae Evidence Modeling of protein sequence and biophysical properties (such as structural, functional, and spatial information, amino acid conservation, physicochemical variation, residue mobility, and thermodynamic stability) indicates that this missense variant is not expected to disrupt SPARC protein function with a negative predictive value of 80%. In summary, the available evidence is currently insufficient to determine the role of this variant in disease. Therefore, it has been classified as a Variant of Uncertain Significance.

Mayo Clinic Laboratories, Mayo Clinic
Classification: Uncertain significance. Last evaluated: 2025-09-16. Review status: criteria provided, single submitter. Criteria: ACMG Guidelines, 2015. Collection method: clinical testing. Allele origin: germline. Observed: 5 variant alleles.

Genome Diagnostics Laboratory, The Hospital for Sick Children
Classification: Uncertain significance for Osteogenesis imperfecta. Last evaluated: 2021-12-24. Review status: criteria provided, single submitter. Criteria: ACMG Guidelines, 2015. Collection method: clinical testing. Allele origin: germline.

Fulgent Genetics
Classification: Uncertain significance for Osteogenesis imperfecta type 17. Last evaluated: 2021-08-07. Review status: criteria provided, single submitter. Criteria: ACMG Guidelines, 2015. Collection method: clinical testing. Allele origin: unknown.

Breakthrough Genomics
Classification: Uncertain significance. Review status: criteria provided, single submitter. Criteria: ACMG Guidelines, 2015. Collection method: not provided. Allele origin: germline. Inheritance: Autosomal recessive inheritance. Affected: yes.

Dr. Peter K. Rogan Lab, Western University
No classification provided (evidence only). Condition: Ovarian serous cystadenocarcinoma. Review status: no classification provided. Collection method: in vitro. Allele origin: not applicable. Functional consequence: retained intron. Not counted in ClinVar's aggregate classification.

Literature cited by the submitters: PubMed 27132219 (cited by Mayo Clinic Laboratories, Mayo Clinic).